The following is an entry in ClinVar:

NM_012082.4(ZFPM2):c.2411C>T (p.Thr804Met)

Genes: ZFPM2 (zinc finger protein, FOG family member 2; plus strand), ZFPM2-AS1 (ZFPM2 antisense RNA 1; minus strand), LOC126860469 (BRD4-independent group 4 enhancer GRCh37_chr8:106814445-106815644; plus strand). Cytogenetic location: 8q23.1.
Variant type: single nucleotide variant.
Coding change: c.2411C>T on transcript NM_012082.4 (MANE Select); coding-DNA position 2411, C replaced by T.
Protein change: p.Thr804Met; replaces threonine 804 with methionine.
Molecular consequence: missense variant.
Genome position (GRCh38, 1-based): chr8:105,802,493, C>T. VCF-style: chr8-105802493-C-T. GRCh37 (hg19) VCF-style: chr8-106814721-C-T.
Other names: c.2252C>T, p.Thr751Met (NM_001362836.2); c.2015C>T, p.Thr672Met (NM_001362837.2); c.2411C>T (NM_012082.3); short protein forms T804M, T672M, T751M.
Identifiers: ClinVar variation 2062989 (VCV002062989.5), dbSNP rs773282164, ClinGen allele CA4839907.
Genomic context (GRCh38, chr8:105,802,493, plus strand): 5'-ACCACCCAAGATGTGATATCTTTCCAGGAATTGTCTCTAAACACTTGGAAACTTCTCTGA[C>T]GATCAACAAGTGTGTTCCAGTTTCCAAATGTGATACTACTCATTCCAGTGTTTCCTGCCT-3'
Protein context (NP_036214.2, residues 794-814): IVSKHLETSL[Thr804Met]INKCVPVSKC

ClinVar aggregate classification (germline): Uncertain significance. Review status: criteria provided, multiple submitters, no conflicts (2 of 4 stars). 2 submissions from 2 submitters: Uncertain significance (2). Last evaluated 2024-01-16.

Conditions:
Inborn genetic diseases. Identifiers: MedGen C0950123, MeSH D030342.
46,XY sex reversal 9 (SRXY9). Also called: 46,XY SEX REVERSAL, ZFPM2-RELATED. Identifiers: Orphanet 251510, MedGen C4015129, MONDO:0014480, OMIM 616067.

Allele frequency attached by ClinVar (database versions not stated): gnomAD 0.00001; TOPMed 0.00001; ExAC 0.00001.
gnomAD v4.1: 23 of 1,612,440 alleles (0.0014%); highest among the groups gnomAD compares: East Asian, 0.0045%; no homozygotes.

Submissions (2):

Ambry Genetics
Classification: Uncertain significance for Inborn genetic diseases. Last evaluated: 2024-01-16. Review status: criteria provided, single submitter. Criteria: Ambry Variant Classification Scheme 2023. Collection method: clinical testing. Allele origin: germline.

Labcorp Genetics (formerly Invitae), Labcorp
Classification: Uncertain significance for 46,XY sex reversal 9. Last evaluated: 2022-06-27. Review status: criteria provided, single submitter. Criteria: Invitae Variant Classification Sherloc (09022015). Collection method: clinical testing. Allele origin: germline.
Comment: This sequence change replaces threonine, which is neutral and polar, with methionine, which is neutral and non-polar, at codon 804 of the ZFPM2 protein (p.Thr804Met). The frequency data for this variant in the population databases is considered unreliable, as metrics indicate poor data quality at this position in the gnomAD database. This variant has not been reported in the literature in individuals affected with ZFPM2-related conditions. Algorithms developed to predict the effect of missense changes on protein structure and function are either unavailable or do not agree on the potential impact of this missense change (SIFT: "Deleterious"; PolyPhen-2: "Possibly Damaging"; Align-GVGD: "Class C0"). In summary, the available evidence is currently insufficient to determine the role of this variant in disease. Therefore, it has been classified as a Variant of Uncertain Significance.